The following is an entry in ClinVar:

ClinVar aggregate classification (germline): Uncertain significance (1 of 4 stars; one submission).

Allele frequency attached by ClinVar (database versions not stated): gnomAD 0.00001.
gnomAD v4.1: 3 of 1,303,380 alleles (0.00023%); highest among the groups gnomAD compares: Admixed American, 0.0038%; no homozygotes.

Submission:

Labcorp Genetics (formerly Invitae), Labcorp
Classification: Uncertain significance. Last evaluated: 2022-05-25. Review status: criteria provided, single submitter. Criteria: Invitae Variant Classification Sherloc (09022015). Collection method: clinical testing. Allele origin: germline.
Comment: This sequence change replaces glutamic acid, which is acidic and polar, with lysine, which is basic and polar, at codon 4 of the HMX1 protein (p.Glu4Lys). This variant is not present in population databases (gnomAD no frequency). This variant has not been reported in the literature in individuals affected with HMX1-related conditions. Algorithms developed to predict the effect of missense changes on protein structure and function are either unavailable or do not agree on the potential impact of this missense change (SIFT: "Tolerated"; PolyPhen-2: "Not Available"; Align-GVGD: "Class C0"). In summary, the available evidence is currently insufficient to determine the role of this variant in disease. Therefore, it has been classified as a Variant of Uncertain Significance.

NM_018942.3(HMX1):c.10G>A (p.Glu4Lys)

Gene: HMX1 (H6 family homeobox 1; minus strand). Cytogenetic location: 4p16.1.
Variant type: single nucleotide variant.
Coding change: c.10G>A on transcript NM_018942.3 (MANE Select); coding-DNA position 10, G replaced by A.
Protein change: p.Glu4Lys; replaces glutamic acid 4 with lysine.
Molecular consequence: missense variant.
Genome position (GRCh38, 1-based): chr4:8,871,605, C>T on the plus strand (G>A on the coding strand, the complement: HMX1 is on the minus strand). VCF-style: chr4-8871605-C-T. GRCh37 (hg19) VCF-style: chr4-8873331-C-T.
Other names: c.10G>A, p.Glu4Lys (NM_001306142.2); short protein forms E4K.
Identifiers: ClinVar variation 1912658 (VCV001912658.2), dbSNP rs1722228577, ClinGen allele CA356279582.